The following is an entry in ClinVar:

ClinVar aggregate classification (germline): Pathogenic (1 of 4 stars; one submission).

Conditions:
Menkes kinky-hair syndrome (MNK). Also called: Copper transport disease; Classic Menkes Disease; Menkes Disease. Identifiers: Orphanet 565, MedGen C0022716, MONDO:0010651, OMIM 309400.
Cutis laxa, X-linked (OHS). Also called: EDS IX; Occipital horn syndrome. Identifiers: Orphanet 198, MedGen C0268353, MONDO:0010572, OMIM 304150.
X-linked distal spinal muscular atrophy type 3. Also called: SPINAL MUSCULAR ATROPHY, DISTAL, X-LINKED RECESSIVE; ATP7A-Related Distal Motor Neuropathy; NEURONOPATHY, DISTAL HEREDITARY MOTOR, X-LINKED; NEUROPATHY, DISTAL HEREDITARY MOTOR, X-LINKED. Identifiers: Orphanet 139557, MedGen C1845359, MONDO:0010338, OMIM 300489.

Submission:

Labcorp Genetics (formerly Invitae), Labcorp
Classification: Pathogenic for X-linked distal spinal muscular atrophy type 3; Cutis laxa, X-linked; Menkes kinky-hair syndrome. Last evaluated: 2019-02-05. Review status: criteria provided, single submitter. Criteria: Invitae Variant Classification Sherloc (09022015). Collection method: clinical testing. Allele origin: germline.
Comment: This sequence change creates a premature translational stop signal (p.Ala1343Glnfs*15) in the ATP7A gene. It is expected to result in an absent or disrupted protein product. This variant is not present in population databases (ExAC no frequency). This variant has not been reported in the literature in individuals with ATP7A-related conditions. Loss-of-function variants in ATP7A are known to be pathogenic (PMID: 11241493, 20652413). For these reasons, this variant has been classified as Pathogenic.

Literature cited by the submitters: PubMed 11241493; PubMed 20652413.

NM_000052.7(ATP7A):c.4027del (p.Ala1343fs)

Gene: ATP7A (ATPase copper transporting alpha; plus strand). Cytogenetic location: Xq21.1.
Variant type: Deletion.
Coding change: c.4027del on transcript NM_000052.7 (MANE Select); coding-DNA position 4027, one base deleted (G; older notation c.4027delG).
Protein change: p.Ala1343fs; shifts the reading frame from alanine 1343.
Molecular consequence: frameshift variant. On other transcripts: non-coding transcript variant (1).
Genome position (GRCh38, 1-based): chrX:78,043,338, G deleted; the last of 2 consecutive G bases (chrX:78,043,337-78,043,338); deleting either gives the same sequence. VCF-style (leftmost placement, unchanged base first): chrX-78043336-TG-T. GRCh37 (hg19) VCF-style: chrX-77298834-TG-T.
Other names: c.3793del, p.Ala1265fs (NM_001282224.2); short protein forms A1343fs, A1265fs.
Identifiers: ClinVar variation 846390 (VCV000846390.3), dbSNP rs2078061940, ClinGen allele CA916083973.